The following is an entry in ClinVar:

ClinVar aggregate classification (germline): Uncertain significance. Review status: criteria provided, multiple submitters, no conflicts (2 of 4 stars). 2 submissions from 2 submitters: Uncertain significance (2). Last evaluated 2026-03-09.

Conditions:
Hereditary cancer-predisposing syndrome. Also called: Neoplastic Syndromes, Hereditary; Tumor predisposition; Hereditary Cancer Syndrome; Hereditary neoplastic syndrome. Identifiers: Orphanet 140162, MedGen C0027672, MeSH D009386, MONDO:0015356.

Submissions (2):

Ambry Genetics
Classification: Uncertain significance for Hereditary cancer-predisposing syndrome. Last evaluated: 2026-03-09. Review status: criteria provided, single submitter. Criteria: Ambry Variant Classification Scheme 2023. Collection method: clinical testing. Allele origin: germline.
Comment: The p.A227S variant (also known as c.679G>T), located in coding exon 4 of the NTHL1 gene, results from a G to T substitution at nucleotide position 679. The alanine at codon 227 is replaced by serine, an amino acid with similar properties. This amino acid position is conserved. In addition, this alteration is predicted to be tolerated by in silico analysis. Based on the available evidence, the clinical significance of this variant remains unclear.

Labcorp Genetics (formerly Invitae), Labcorp
Classification: Uncertain significance. Last evaluated: 2025-11-04. Review status: criteria provided, single submitter. Criteria: Invitae Variant Classification Sherloc (09022015). Collection method: clinical testing. Allele origin: germline.
Comment: This sequence change replaces alanine, which is neutral and non-polar, with serine, which is neutral and polar, at codon 227 of the NTHL1 protein (p.Ala227Ser). This variant is not present in population databases (gnomAD no frequency). This variant has not been reported in the literature in individuals affected with NTHL1-related conditions. An algorithm developed to predict the effect of missense changes on protein structure and function (PolyPhen-2) suggests that this variant is likely to be tolerated. In summary, the available evidence is currently insufficient to determine the role of this variant in disease. Therefore, it has been classified as a Variant of Uncertain Significance.

NM_002528.7(NTHL1):c.655G>T (p.Ala219Ser)

Gene: NTHL1 (nth like DNA glycosylase 1; minus strand). Cytogenetic location: 16p13.3.
Variant type: single nucleotide variant.
Coding change: c.655G>T on transcript NM_002528.7 (MANE Select); coding-DNA position 655, G replaced by T.
Protein change: p.Ala219Ser; replaces alanine 219 with serine.
Molecular consequence: missense variant.
Genome position (GRCh38, 1-based): chr16:2,043,597, C>A on the plus strand (G>T on the coding strand, the complement: NTHL1 is on the minus strand). VCF-style: chr16-2043597-C-A. GRCh37 (hg19) VCF-style: chr16-2093598-C-A.
Other names: c.679G>T (NM_002528.5); c.484G>T, p.Ala162Ser (NM_001318193.2); c.325G>T, p.Ala109Ser (NM_001318194.2); short protein forms A162S, A219S, A109S.
Identifiers: ClinVar variation 4730512 (VCV004730512.2).